The following is an entry in ClinVar:

ClinVar aggregate classification (germline): Pathogenic. Review status: criteria provided, multiple submitters, no conflicts (2 of 4 stars). 5 submissions from 5 submitters: Pathogenic (5). Last evaluated 2024-08-28.

Conditions:
Hereditary cancer-predisposing syndrome. Also called: Hereditary neoplastic syndrome; Hereditary Cancer Syndrome; Tumor predisposition; Neoplastic Syndromes, Hereditary. Identifiers: Orphanet 140162, MedGen C0027672, MeSH D009386, MONDO:0015356.
Familial adenomatous polyposis 2. Also called: ADENOMAS, MULTIPLE COLORECTAL, AUTOSOMAL RECESSIVE; MUTYH Polyposis; MUTYH-related attenuated familial adenomatous polyposis; Adenomas, multiple colorectal; MUTYH-associated polyposis; COLORECTAL ADENOMATOUS POLYPOSIS, AUTOSOMAL RECESSIVE. Identifiers: Orphanet 220460, Orphanet 247798, MedGen C3272841, MONDO:0012041, OMIM 608456.

gnomAD v4.1: 1 of 1,614,070 alleles (0.000062%); highest among the groups gnomAD compares: Admixed American, 0.0017%; no homozygotes.

Submissions (5):

Labcorp Genetics (formerly Invitae), Labcorp
Classification: Pathogenic for Familial adenomatous polyposis 2. Last evaluated: 2024-08-28. Review status: criteria provided, single submitter. Criteria: Invitae Variant Classification Sherloc (09022015). Collection method: clinical testing. Allele origin: germline.
Comment: This sequence change creates a premature translational stop signal (p.Trp156*) in the MUTYH gene. It is expected to result in an absent or disrupted protein product. Loss-of-function variants in MUTYH are known to be pathogenic (PMID: 18534194, 20663686). This variant is not present in population databases (gnomAD no frequency). This variant has not been reported in the literature in individuals affected with MUTYH-related conditions. ClinVar contains an entry for this variant (Variation ID: 1692576). For these reasons, this variant has been classified as Pathogenic.

Ambry Genetics
Classification: Pathogenic for Hereditary cancer-predisposing syndrome. Last evaluated: 2024-03-05. Review status: criteria provided, single submitter. Criteria: Ambry Variant Classification Scheme 2023. Collection method: clinical testing. Allele origin: germline.
Comment: The p.W156* pathogenic mutation (also known as c.468G>A), located in coding exon 6 of the MUTYH gene, results from a G to A substitution at nucleotide position 468. This changes the amino acid from a tryptophan to a stop codon within coding exon 6. This alteration is expected to result in loss of function by premature protein truncation or nonsense-mediated mRNA decay. As such, this alteration is interpreted as a disease-causing mutation.

Baylor Genetics
Classification: Pathogenic for Familial adenomatous polyposis 2. Last evaluated: 2023-05-14. Review status: criteria provided, single submitter. Criteria: ACMG Guidelines, 2015. Collection method: clinical testing. Allele origin: unknown.

Color Diagnostics, LLC DBA Color Health
Classification: Pathogenic for Hereditary cancer-predisposing syndrome. Last evaluated: 2023-04-03. Review status: criteria provided, single submitter. Criteria: ACMG Guidelines, 2015. Collection method: clinical testing. Allele origin: germline.
Comment: This variant changes 1 nucleotide in exon 6 of the MUTYH gene, creating a premature translation stop signal. This variant is expected to result in an absent or non-functional protein product. This variant has been reported in individuals affected with colorectal cancer (PMID: 28127763, 30151276), ovarian cancer (PMID: 29371908), and pancreatic neuroendocrine tumor (PMID: 33230973). A different variant resulting in the same amino acid change, c.467G>A (p.Trp156Ter), has been reported in individual with MUTYH-associated polyposis (PMID: 34259353), colorectal cancer (with a pathogenic co-variant in APC; PMID: 25151137), neuroblastoma (PMID: 34308366), and endometrial cancer (PMID: 30886832). This variant has not been identified in the general population by the Genome Aggregation Database (gnomAD). Loss of MUTYH function is a known mechanism of disease. Based on the available evidence, this variant is classified as Pathogenic.

Sema4
Classification: Pathogenic for Hereditary cancer-predisposing syndrome. Last evaluated: 2022-02-05. Review status: criteria provided, single submitter. Criteria: Sema4 Curation Guidelines. Collection method: curation. Allele origin: germline.
Comment: The MUTYH c.468G>A (p.W156X) has been reported as heterozygous in at least two individuals individuals with MUTYH-associated polyposis (PMID: 33223521, 34259353). It has also been reported in heterozygosity in several individuals with colorectal polyps/cancer, adrenocortical cancer, endometrial cancer, neuroblastoma and as well as in healthy controls (PMID: 25151137, 30151276, 29625052, 30886832, 34308366, 32980694). This nonsense variant creates a premature stop codon at residue 156 of the MUTYH protein. At this location, this variant is predicted to cause loss of normal protein function either through protein truncation or nonsense-mediated mRNA decay. Loss of function of the MUTYH gene is an established disease mechanism (PMID: 18534194). This variant was not reported in the population database Genome Aggregation Database (PMID: 32461654). This variant has not been reported in ClinVar. Based on the current evidence available, this variant is interpreted as pathogenic.

Literature cited by the submitters: PubMed 18534194 (cited by Labcorp Genetics (formerly Invitae), Labcorp and Sema4); PubMed 20663686 (cited by Labcorp Genetics (formerly Invitae), Labcorp); PubMed 28127763 (cited by Color Diagnostics, LLC DBA Color Health); PubMed 29371908 (cited by Color Diagnostics, LLC DBA Color Health); PubMed 30151276 (cited by Color Diagnostics, LLC DBA Color Health and Sema4); PubMed 30886832 (cited by Color Diagnostics, LLC DBA Color Health and Sema4); PubMed 33230973 (cited by Color Diagnostics, LLC DBA Color Health); PubMed 34259353 (cited by Color Diagnostics, LLC DBA Color Health and Sema4); PubMed 34308366 (cited by Color Diagnostics, LLC DBA Color Health and Sema4); PubMed 33223521 (cited by Sema4); PubMed 25151137 (cited by Sema4); PubMed 29625052 (cited by Sema4); PubMed 32980694 (cited by Sema4).

NM_001048174.2(MUTYH):c.384G>A (p.Trp128Ter)

Gene: MUTYH (mutY DNA glycosylase; minus strand). Cytogenetic location: 1p34.1.
Variant type: single nucleotide variant.
Coding change: c.384G>A on transcript NM_001048174.2 (MANE Select); coding-DNA position 384, G replaced by A.
Protein change: p.Trp128Ter; replaces tryptophan 128 with a stop codon.
Molecular consequence: nonsense. On other transcripts: non-coding transcript variant (2).
Genome position (GRCh38, 1-based): chr1:45,332,954, C>T on the plus strand (G>A on the coding strand, the complement: MUTYH is on the minus strand). VCF-style: chr1-45332954-C-T. GRCh37 (hg19) VCF-style: chr1-45798626-C-T.
Other names: c.384G>A, p.Trp128Ter (NM_001048171.2, NM_001048173.2, NM_001293195.2); c.387G>A, p.Trp129Ter (NM_001048172.2); c.468G>A, p.Trp156Ter (NM_001128425.2); c.429G>A, p.Trp143Ter (NM_001293190.2); c.417G>A, p.Trp139Ter (NM_001293191.2); c.108G>A, p.Trp36Ter (NM_001293192.2, NM_001293196.2); c.39G>A, p.Trp13Ter (NM_001350650.2, NM_001350651.2); c.459G>A, p.Trp153Ter (NM_012222.3); short protein forms W128*, W129*, W13*, W139*, W143*, W153*, W156*, W36*.
Identifiers: ClinVar variation 1692576 (VCV001692576.7), dbSNP rs2149161607, ClinGen allele CA340136014.
Genomic context (GRCh38, chr1:45,332,954, plus strand): 5'-CCCCTACCCTAGGGTGGCTCTCACCTCCAGGGAAGCACTGGCCAGGTCCTGCAGTGTAGG[C>T]CACTTCTATAGCCACAGGCAGGCAGAAAGAGACAAGGTCAAGGGTGAAGGTGGTAGAGGA-3'